The following is an entry in ClinVar:

NM_000426.4(LAMA2):c.3037+5G>C

Gene: LAMA2 (laminin subunit alpha 2; plus strand). Cytogenetic location: 6q22.33.
Variant type: single nucleotide variant.
Coding change: c.3037+5G>C on transcript NM_000426.4 (MANE Select); 5 bases into the intron after coding-DNA position 3037, G replaced by C.
Molecular consequence: intron variant.
Genome position (GRCh38, 1-based): chr6:129,297,870, G>C. VCF-style: chr6-129297870-G-C. GRCh37 (hg19) VCF-style: chr6-129619015-G-C.
Other names: c.3037+5G>C (NM_001079823.2).
Identifiers: ClinVar variation 1392971 (VCV001392971.6), dbSNP rs2114451628, ClinGen allele CA2573140459.
Genomic context (GRCh38, chr6:129,297,870, plus strand): 5'-GAAATGTGACCGCTGTGCCCACGGCTATTTCAACTTCCAAGAAGGAGGCTGCACAGGTCT[G>C]TAAATATGACTTAAGTCCTACATATTCACTCTGATAGTTTTAGGGTCTGACTTCTGTAAC-3'

ClinVar aggregate classification (germline): Uncertain significance (1 of 4 stars; one submission).

Conditions:
LAMA2-related muscular dystrophy (LAMA2-RD). Also called: Laminin alpha 2-related dystrophy. Identifiers: MedGen C5679788, MONDO:0100228.

Submission:

Labcorp Genetics (formerly Invitae), Labcorp
Classification: Uncertain significance for LAMA2-related muscular dystrophy. Last evaluated: 2023-10-13. Review status: criteria provided, single submitter. Criteria: Invitae Variant Classification Sherloc (09022015). Collection method: clinical testing. Allele origin: germline.
Comment: This sequence change falls in intron 21 of the LAMA2 gene. It does not directly change the encoded amino acid sequence of the LAMA2 protein. It affects a nucleotide within the consensus splice site. This variant is not present in population databases (gnomAD no frequency). This variant has not been reported in the literature in individuals affected with LAMA2-related conditions. ClinVar contains an entry for this variant (Variation ID: 1392971). Variants that disrupt the consensus splice site are a relatively common cause of aberrant splicing (PMID: 17576681, 9536098). Algorithms developed to predict the effect of sequence changes on RNA splicing suggest that this variant is not likely to affect RNA splicing. In summary, the available evidence is currently insufficient to determine the role of this variant in disease. Therefore, it has been classified as a Variant of Uncertain Significance.

Literature cited by the submitters: PubMed 17576681; PubMed 9536098.